The following is an entry in ClinVar:

ClinVar aggregate classification (germline): Uncertain significance (1 of 4 stars; one submission).

Submission:

Labcorp Genetics (formerly Invitae), Labcorp
Classification: Uncertain significance. Last evaluated: 2024-06-20. Review status: criteria provided, single submitter. Criteria: Invitae Variant Classification Sherloc (09022015). Collection method: clinical testing. Allele origin: germline.
Comment: This sequence change falls in intron 14 of the KMT2A gene. It does not directly change the encoded amino acid sequence of the KMT2A protein. This variant is not present in population databases (gnomAD no frequency). This variant has not been reported in the literature in individuals affected with KMT2A-related conditions. Algorithms developed to predict the effect of sequence changes on RNA splicing suggest that this variant is not likely to affect RNA splicing. In summary, the available evidence is currently insufficient to determine the role of this variant in disease. Therefore, it has been classified as a Variant of Uncertain Significance.

NM_001197104.2(KMT2A):c.4820-7T>C

Gene: KMT2A (lysine methyltransferase 2A; plus strand). Cytogenetic location: 11q23.3.
Variant type: single nucleotide variant.
Coding change: c.4820-7T>C on transcript NM_001197104.2 (MANE Select); 7 bases into the intron before coding-DNA position 4820, T replaced by C.
Molecular consequence: intron variant.
Genome position (GRCh38, 1-based): chr11:118,491,737, T>C. VCF-style: chr11-118491737-T-C. GRCh37 (hg19) VCF-style: chr11-118362452-T-C.
Other names: c.4910-7T>C (NM_001412597.1); c.4811-7T>C (NM_005933.4).
Identifiers: ClinVar variation 3674003 (VCV003674003.2).
Genomic context (GRCh38, chr11:118,491,737, plus strand): 5'-AGTTTCCTCTTCTTCCTCTCTCTCATTCTTCAGAGGACCTCATCATGGTAGGTTTTTGTT[T>C]TCTTAGATGAGATGTATGAGATTCTATCTAATCTGCCAGAAAGTGTGGCCTACACTTGTG-3'